The following is an entry in ClinVar:

NM_198578.4(LRRK2):c.3590A>G (p.His1197Arg)

Gene: LRRK2 (leucine rich repeat kinase 2; plus strand). Cytogenetic location: 12q12.
Variant type: single nucleotide variant.
Coding change: c.3590A>G on transcript NM_198578.4 (MANE Select); coding-DNA position 3590, A replaced by G.
Protein change: p.His1197Arg; replaces histidine 1197 with arginine.
Molecular consequence: missense variant.
Genome position (GRCh38, 1-based): chr12:40,302,882, A>G. VCF-style: chr12-40302882-A-G. GRCh37 (hg19) VCF-style: chr12-40696684-A-G.
Other names: short protein forms H1197R.
Identifiers: ClinVar variation 2717979 (VCV002717979.3), dbSNP rs2499775594, ClinGen allele CA384416502.

ClinVar aggregate classification (germline): Uncertain significance (1 of 4 stars; one submission).

Conditions:
Autosomal dominant Parkinson disease 8. Also called: LRRK2-Related Parkinson Disease; Parkinson disease 8; Parkinson disease 8, susceptibility to. Identifiers: Orphanet 411602, MedGen C1846862, MONDO:0011764, OMIM 607060.

Allele frequency attached by ClinVar (database versions not stated): gnomAD exomes below 0.00001.
gnomAD v4.1: 1 of 1,544,416 alleles (0.000065%); highest among the groups gnomAD compares: Non-Finnish European, 0.00009%; no homozygotes.

Submission:

Labcorp Genetics (formerly Invitae), Labcorp
Classification: Uncertain significance for Autosomal dominant Parkinson disease 8. Last evaluated: 2023-03-20. Review status: criteria provided, single submitter. Criteria: Invitae Variant Classification Sherloc (09022015). Collection method: clinical testing. Allele origin: germline.
Comment: In summary, the available evidence is currently insufficient to determine the role of this variant in disease. Therefore, it has been classified as a Variant of Uncertain Significance. An algorithm developed to predict the effect of missense changes on protein structure and function (PolyPhen-2) suggests that this variant is likely to be disruptive. This variant has not been reported in the literature in individuals affected with LRRK2-related conditions. This variant is not present in population databases (gnomAD no frequency). This sequence change replaces histidine, which is basic and polar, with arginine, which is basic and polar, at codon 1197 of the LRRK2 protein (p.His1197Arg).